The following is an entry in ClinVar:

ClinVar aggregate classification (germline): Uncertain significance. Review status: criteria provided, multiple submitters, no conflicts (2 of 4 stars). 2 submissions from 2 submitters: Uncertain significance (2). Last evaluated 2025-11-12.

Conditions:
Left ventricular noncompaction 1 (LVNC1). Also called: LEFT VENTRICULAR NONCOMPACTION 1 WITH OR WITHOUT CONGENITAL HEART DEFECTS. Identifiers: Orphanet 54260, MedGen C1858725, MONDO:0011403, OMIM 604169.

Allele frequency attached by ClinVar (database versions not stated): ExAC 0.00001; gnomAD 0.00001; gnomAD exomes 0.00001; TOPMed 0.00002 and 0.00003.
gnomAD v4.1: 19 of 1,613,978 alleles (0.0012%); highest among the groups gnomAD compares: Non-Finnish European, 0.0016%; no homozygotes.

Submissions (2):

Labcorp Genetics (formerly Invitae), Labcorp
Classification: Uncertain significance for Left ventricular noncompaction 1. Last evaluated: 2025-11-12. Review status: criteria provided, single submitter. Criteria: Invitae Variant Classification Sherloc (09022015). Collection method: clinical testing. Allele origin: germline.
Comment: This sequence change replaces proline, which is neutral and non-polar, with leucine, which is neutral and non-polar, at codon 321 of the DTNA protein (p.Pro321Leu). This variant is present in population databases (rs774455487, gnomAD 0.002%). This variant has not been reported in the literature in individuals affected with DTNA-related conditions. ClinVar contains an entry for this variant (Variation ID: 2648671). Invitae Evidence Modeling of protein sequence and biophysical properties (such as structural, functional, and spatial information, amino acid conservation, physicochemical variation, residue mobility, and thermodynamic stability) indicates that this missense variant is not expected to disrupt DTNA protein function with a negative predictive value of 80%. In summary, the available evidence is currently insufficient to determine the role of this variant in disease. Therefore, it has been classified as a Variant of Uncertain Significance.

CeGaT Center for Human Genetics Tuebingen
Classification: Uncertain significance. Last evaluated: 2022-07-01. Review status: criteria provided, single submitter. Criteria: CeGaT Center For Human Genetics Tuebingen Variant Classification Criteria Version 2. Collection method: clinical testing. Allele origin: germline. Affected: yes. Observed: 1 variant allele.

NM_001386795.1(DTNA):c.962C>T (p.Pro321Leu)

Gene: DTNA (dystrobrevin alpha; plus strand). Cytogenetic location: 18q12.1.
Variant type: single nucleotide variant.
Coding change: c.962C>T on transcript NM_001386795.1 (MANE Select); coding-DNA position 962, C replaced by T.
Protein change: p.Pro321Leu; replaces proline 321 with leucine.
Molecular consequence: missense variant. On other transcripts: intron variant (1).
Genome position (GRCh38, 1-based): chr18:34,820,876, C>T. VCF-style: chr18-34820876-C-T. GRCh37 (hg19) VCF-style: chr18-32400840-C-T.
Other names: c.962C>T, p.Pro321Leu (NM_001128175.2, NM_001198938.2, NM_001198939.2 and 34 more transcripts); c.8C>T, p.Pro3Leu (NM_001198942.1, NM_001198944.1, NM_032980.4 and 1 more transcripts); c.212C>T, p.Pro71Leu (NM_001198943.1); c.603+8763C>T (NM_001198945.2); short protein forms P321L, P3L, P71L.
Identifiers: ClinVar variation 2648671 (VCV002648671.25), dbSNP rs774455487, ClinGen allele CA8935499.
Genomic context (GRCh38, chr18:34,820,876, plus strand): 5'-ATGCATTAAGCAAGTCCCTGAGCTGTGCTTCCAGCCGTGAACCTTTGCACCCCATGTTCC[C>T]AGATCAGCCTGAGAAGCCACTCAACTTGGCTCACATCGTGTGAGTATCCCTACCCTCCCA-3'
Protein context (NP_001373724.1, residues 311-331): SSREPLHPMF[Pro321Leu]DQPEKPLNLA